The following is an entry in ClinVar:

ClinVar aggregate classification (germline): Uncertain significance (1 of 4 stars; one submission).

Allele frequency attached by ClinVar (database versions not stated): gnomAD exomes 0.00001; TOPMed 0.00001.
gnomAD v4.1: 8 of 1,614,088 alleles (0.0005%); highest among the groups gnomAD compares: Admixed American, 0.013%; no homozygotes.

Submission:

Labcorp Genetics (formerly Invitae), Labcorp
Classification: Uncertain significance. Last evaluated: 2022-02-22. Review status: criteria provided, single submitter. Criteria: Invitae Variant Classification Sherloc (09022015). Collection method: clinical testing. Allele origin: germline.
Comment: In summary, the available evidence is currently insufficient to determine the role of this variant in disease. Therefore, it has been classified as a Variant of Uncertain Significance. Algorithms developed to predict the effect of missense changes on protein structure and function are either unavailable or do not agree on the potential impact of this missense change (SIFT: "Tolerated"; PolyPhen-2: "Probably Damaging"; Align-GVGD: "Class C0"). This variant has not been reported in the literature in individuals affected with KIAA0556-related conditions. This variant is present in population databases (no rsID available, gnomAD 0.02%). This sequence change replaces glycine, which is neutral and non-polar, with aspartic acid, which is acidic and polar, at codon 741 of the KIAA0556 protein (p.Gly741Asp).

NM_015202.5(KATNIP):c.2222G>A (p.Gly741Asp)

Gene: KATNIP (katanin interacting protein; plus strand). Cytogenetic location: 16p12.1.
Variant type: single nucleotide variant.
Coding change: c.2222G>A on transcript NM_015202.5 (MANE Select); coding-DNA position 2222, G replaced by A.
Protein change: p.Gly741Asp; replaces glycine 741 with aspartic acid.
Molecular consequence: missense variant.
Genome position (GRCh38, 1-based): chr16:27,740,519, G>A. VCF-style: chr16-27740519-G-A. GRCh37 (hg19) VCF-style: chr16-27751840-G-A.
Other names: short protein forms G741D.
Identifiers: ClinVar variation 2420935 (VCV002420935.4), dbSNP rs1167101263, ClinGen allele CA395321279.
Genomic context (GRCh38, chr16:27,740,519, plus strand): 5'-TGAAGTGCCCTCCTGTCCATGAGGAGCCCTCTCTCATCCAACAACTGGAAAACCTCATGG[G>A]CAGAAAAATCTGTGAGCCACCCGGGAAAACCCCATCCTGGTTACAACCTTCTCCCACCGG-3'
Protein context (NP_056017.4, residues 731-751): SLIQQLENLM[Gly741Asp]RKICEPPGKT